The following is an entry in ClinVar:

ClinVar aggregate classification (germline): Uncertain significance. Review status: criteria provided, multiple submitters, no conflicts (2 of 4 stars). 2 submissions from 2 submitters: Uncertain significance (2). Last evaluated 2025-12-16.

Conditions:
Inborn genetic diseases. Identifiers: MedGen C0950123, MeSH D030342.

gnomAD v4.1: 6 of 1,542,978 alleles (0.00039%); highest among the groups gnomAD compares: Admixed American, 0.004%; no homozygotes.

Submissions (2):

Labcorp Genetics (formerly Invitae), Labcorp
Classification: Uncertain significance. Last evaluated: 2025-12-16. Review status: criteria provided, single submitter. Criteria: Invitae Variant Classification Sherloc (09022015). Collection method: clinical testing. Allele origin: germline.
Comment: This sequence change replaces valine, which is neutral and non-polar, with methionine, which is neutral and non-polar, at codon 90 of the KDM1A protein (p.Val90Met). The frequency data for this variant in the population databases is considered unreliable, as metrics indicate poor data quality at this position in the gnomAD database. This variant has not been reported in the literature in individuals affected with KDM1A-related conditions. ClinVar contains an entry for this variant (Variation ID: 3532948). An algorithm developed to predict the effect of missense changes on protein structure and function (PolyPhen-2) suggests that this variant is likely to be tolerated. In summary, the available evidence is currently insufficient to determine the role of this variant in disease. Therefore, it has been classified as a Variant of Uncertain Significance.

Ambry Genetics
Classification: Uncertain significance for Inborn genetic diseases. Last evaluated: 2024-11-28. Review status: criteria provided, single submitter. Criteria: Ambry Variant Classification Scheme 2023. Collection method: clinical testing. Allele origin: germline.
Comment: The p.V90M variant (also known as c.268G>A), located in coding exon 1 of the KDM1A gene, results from a G to A substitution at nucleotide position 268. The valine at codon 90 is replaced by methionine, an amino acid with highly similar properties. This amino acid position is conserved. In addition, this alteration is predicted to be tolerated by in silico analysis. Based on the available evidence, the clinical significance of this variant remains unclear.

NM_001009999.3(KDM1A):c.268G>A (p.Val90Met)

Gene: KDM1A (lysine demethylase 1A; plus strand). Cytogenetic location: 1p36.12.
Variant type: single nucleotide variant.
Coding change: c.268G>A on transcript NM_001009999.3 (MANE Select); coding-DNA position 268, G replaced by A.
Protein change: p.Val90Met; replaces valine 90 with methionine.
Molecular consequence: missense variant.
Genome position (GRCh38, 1-based): chr1:23,019,864, G>A. VCF-style: chr1-23019864-G-A. GRCh37 (hg19) VCF-style: chr1-23346357-G-A.
Other names: c.268G>A, p.Val90Met (NM_001363654.2, NM_001410762.1, NM_001410763.1 and 1 more transcripts); short protein forms V90M.
Identifiers: ClinVar variation 3532948 (VCV003532948.3).
Genomic context (GRCh38, chr1:23,019,864, plus strand): 5'-CCCCCCGGGGGCCTGGCGGAACCGCCGGGGTCCGCAGGGCCTCAGGCCGGCCCTACTGTC[G>A]TGCCTGGGTCTGCGACCCCCATGGAAACTGGAATAGCAGAGACTCCGGAGGGGCGTCGGA-3'
Protein context (NP_001009999.1, residues 80-100): SAGPQAGPTV[Val90Met]PGSATPMETG